The following is an entry in ClinVar:

NM_002474.3(MYH11):c.2012C>T (p.Thr671Ile)

Gene: MYH11 (myosin heavy chain 11; minus strand). Cytogenetic location: 16p13.11.
Variant type: single nucleotide variant.
Coding change: c.2012C>T on transcript NM_002474.3 (MANE Select); coding-DNA position 2012, C replaced by T.
Protein change: p.Thr671Ile; replaces threonine 671 with isoleucine.
Molecular consequence: missense variant.
Genome position (GRCh38, 1-based): chr16:15,750,184, G>A on the plus strand (C>T on the coding strand, the complement: MYH11 is on the minus strand). VCF-style: chr16-15750184-G-A. GRCh37 (hg19) VCF-style: chr16-15844041-G-A.
Other names: c.2033C>T, p.Thr678Ile (NM_001040113.2, NM_001040114.2); c.2012C>T, p.Thr671Ile (NM_022844.3); short protein forms T671I, T678I.
Identifiers: ClinVar variation 1709049 (VCV001709049.4), dbSNP rs2041527871, ClinGen allele CA394868918.

ClinVar aggregate classification (germline): Uncertain significance. Review status: criteria provided, multiple submitters, no conflicts (2 of 4 stars). 2 submissions from 2 submitters: Uncertain significance (2). Last evaluated 2024-05-09.

Conditions:
Familial thoracic aortic aneurysm and aortic dissection (TAAD). Also called: Thoracic aortic aneurysms and dissections. Identifiers: Orphanet 91387, MedGen C4707243, MONDO:0019625.
Aortic aneurysm, familial thoracic 4 (AAT4). Also called: AORTIC ANEURYSM/AORTIC DISSECTION AND PATENT DUCTUS ARTERIOSUS. Identifiers: MedGen C1851504, MONDO:0007568, OMIM 132900.

Submissions (2):

All of Us Research Program, National Institutes of Health
Classification: Uncertain significance for Familial thoracic aortic aneurysm and aortic dissection. Last evaluated: 2024-05-09. Review status: criteria provided, single submitter. Criteria: ACMG Guidelines, 2015. Collection method: clinical testing. Allele origin: germline. Inheritance: Autosomal dominant inheritance. Observed: 2 variant alleles, 2 heterozygotes.
Comment: This missense variant replaces threonine with isoleucine at codon 678 of the MYH11 protein. Computational prediction suggests that this variant may have deleterious impact on protein structure and function (internally defined REVEL score threshold >= 0.7, PMID: 27666373). To our knowledge, functional studies have not been reported for this variant. This variant has not been reported in individuals affected with MYH11-related disorders in the literature. This variant has not been identified in the general population by the Genome Aggregation Database (gnomAD). The available evidence is insufficient to determine the role of this variant in disease conclusively. Therefore, this variant is classified as a Variant of Uncertain Significance.

This study involves interpretation of variants in research participants for the purpose of population health screening. Participant phenotype was not available at the time of variant classification. Additional details can be found in publication PMID: 35346344, PMCID: PMC8962531

MGZ Medical Genetics Center
Classification: Uncertain significance for Aortic aneurysm, familial thoracic 4. Last evaluated: 2022-02-08. Review status: criteria provided, single submitter. Criteria: ACMG Guidelines, 2015. Collection method: clinical testing. Allele origin: germline. Affected: yes. Observed: 1 variant allele.
Comment: ACMG criteria applied: PM2_SUP, PP3